The following is an entry in ClinVar:

NM_002242.4(KCNJ13):c.155G>A (p.Arg52His)

Genes: GIGYF2 (GRB10 interacting GYF protein 2; plus strand), KCNJ13 (potassium inwardly rectifying channel subfamily J member 13; minus strand). Cytogenetic location: 2q37.1.
Variant type: single nucleotide variant.
Coding change: c.155G>A on transcript NM_002242.4 (MANE Select); coding-DNA position 155, G replaced by A.
Protein change: p.Arg52His; replaces arginine 52 with histidine.
Molecular consequence: missense variant. On other transcripts: intron variant (5).
Genome position (GRCh38, 1-based): chr2:232,771,208, C>T on the plus strand (G>A on the coding strand, the complement: KCNJ13 is on the minus strand). VCF-style: chr2-232771208-C-T. GRCh37 (hg19) VCF-style: chr2-233635918-C-T.
Other names: c.155G>A, p.Arg52His (NM_001172416.1); c.532+9772C>T (NM_001103146.3, NM_015575.4, NM_001103148.2); c.533-5204C>T (NM_001103147.2); c.-23-63G>A (NM_001172417.1); short protein forms R52H.
Identifiers: ClinVar variation 4279738 (VCV004279738.1).

ClinVar aggregate classification (germline): Uncertain significance (1 of 4 stars; one submission).

Conditions:
Leber congenital amaurosis 16 (LCA16). Identifiers: Orphanet 65, MedGen C3280062, MONDO:0013613, OMIM 614186.
Snowflake vitreoretinal degeneration (SVD). Identifiers: Orphanet 91496, MedGen C1860405, MONDO:0008663, OMIM 193230, HP:0011533.

gnomAD v4.1: 3 of 1,612,800 alleles (0.00019%); highest among the groups gnomAD compares: East Asian, 0.0022%; no homozygotes.

Submission:

Clinical Genomics Laboratory, Washington University in St. Louis
Classification: Uncertain significance for Leber congenital amaurosis 16; Snowflake vitreoretinal degeneration. Last evaluated: 2025-05-10. Review status: criteria provided, single submitter. Criteria: ACMG Guidelines, 2015. Collection method: clinical testing. Allele origin: germline.
Comment: The KCNJ13 c.155G>A (p.Arg52His) variant, to our knowledge, has not been reported in the medical literature. This variant is absent from the general population (gnomAD v.2.1.1), indicating it is not a common variant. Computational predictors indicate that the variant is damaging, evidence that correlates with impact to KCNJ13 function. Due to limited information, and based on ACMG/AMP guidelines for variant interpretation (Richards S et al., PMID: 25741868), the clinical significance of this variant is uncertain at this time.